The following is an entry in ClinVar:

ClinVar aggregate classification (germline): Uncertain significance (1 of 4 stars; one submission).

Submission:

Women's Health and Genetics/Laboratory Corporation of America, LabCorp
Classification: Uncertain significance. Last evaluated: 2024-04-09. Review status: criteria provided, single submitter. Criteria: LabCorp Variant Classification Summary - May 2015. Collection method: clinical testing. Allele origin: germline.
Comment: Variant summary: TTN c.85001C>A (p.Ala28334Asp) results in a non-conservative amino acid change located in the A band-domain of the encoded protein sequence. Three of four in-silico tools predict a damaging effect of the variant on protein function. The variant was absent in 248856 control chromosomes. The available data on variant occurrences in the general population are insufficient to allow any conclusion about variant significance. To our knowledge, no occurrence of c.85001C>A in individuals affected with Limb-Girdle Muscular Dystrophy, Type 2J and no experimental evidence demonstrating its impact on protein function have been reported. No submitters have cited clinical-significance assessments for this variant to ClinVar. Based on the evidence outlined above, the variant was classified as uncertain significance.

NM_001267550.2(TTN):c.92705C>A (p.Ala30902Asp)

Genes: TTN (titin; minus strand), TTN-AS1 (TTN antisense RNA 1; plus strand). Cytogenetic location: 2q31.2.
Variant type: single nucleotide variant.
Coding change: c.92705C>A on transcript NM_001267550.2 (MANE Select); coding-DNA position 92705, C replaced by A.
Protein change: p.Ala30902Asp; replaces alanine 30902 with aspartic acid.
Molecular consequence: missense variant.
Genome position (GRCh38, 1-based): chr2:178,548,921, G>T on the plus strand (C>A on the coding strand, the complement: TTN is on the minus strand). VCF-style: chr2-178548921-G-T. GRCh37 (hg19) VCF-style: chr2-179413648-G-T.
Other names: c.87782C>A, p.Ala29261Asp (NM_001256850.1); c.65510C>A, p.Ala21837Asp (NM_003319.4); c.85001C>A, p.Ala28334Asp (NM_133378.4); c.65885C>A, p.Ala21962Asp (NM_133432.3); c.66086C>A, p.Ala22029Asp (NM_133437.4); short protein forms A21837D, A21962D, A22029D, A28334D, A29261D, A30902D.
Identifiers: ClinVar variation 3251415 (VCV003251415.1), dbSNP rs2469146416.